The following is an entry in ClinVar:

NM_000179.3(MSH6):c.3550A>C (p.Met1184Leu)

Gene: MSH6 (mutS homolog 6; plus strand). Cytogenetic location: 2p16.3.
Variant type: single nucleotide variant.
Coding change: c.3550A>C on transcript NM_000179.3 (MANE Select); coding-DNA position 3550, A replaced by C.
Protein change: p.Met1184Leu; replaces methionine 1184 with leucine.
Molecular consequence: missense variant. On other transcripts: non-coding transcript variant (4).
Genome position (GRCh38, 1-based): chr2:47,805,021, A>C. VCF-style: chr2-47805021-A-C. GRCh37 (hg19) VCF-style: chr2-48032160-A-C.
Other names: c.2644A>C, p.Met882Leu (NM_001281494.2, NM_001281493.2, NM_001406811.1 and 6 more transcripts); c.3646A>C, p.Met1216Leu (NM_001406795.1, NM_001406802.1); c.3550A>C, p.Met1184Leu (NM_001406796.1, NM_001406800.1, NM_001406808.1 and 1 more transcripts); c.3160A>C, p.Met1054Leu (NM_001281492.2); c.3253A>C, p.Met1085Leu (NM_001406797.1, NM_001406801.1, NM_001406805.1 and 10 more transcripts); c.3376A>C, p.Met1126Leu (NM_001406798.1); c.3025A>C, p.Met1009Leu (NM_001406799.1, NM_001406806.1, NM_001406807.1); c.2686A>C, p.Met896Leu (NM_001406803.1); and 7 more; short protein forms M1009L, M1054L, M1085L, M111L, M1126L, M1128L, M1158L, M1184L.
Identifiers: ClinVar variation 3893724 (VCV003893724.1).

ClinVar aggregate classification (germline): Uncertain significance (1 of 4 stars; one submission).

Conditions:
Hereditary cancer-predisposing syndrome. Also called: Neoplastic Syndromes, Hereditary; Tumor predisposition; Hereditary Cancer Syndrome; Hereditary neoplastic syndrome. Identifiers: Orphanet 140162, MedGen C0027672, MeSH D009386, MONDO:0015356.

Submission:

Color Diagnostics, LLC DBA Color Health
Classification: Uncertain significance for Hereditary cancer-predisposing syndrome. Last evaluated: 2024-03-31. Review status: criteria provided, single submitter. Criteria: ACMG Guidelines, 2015. Collection method: clinical testing. Allele origin: germline.
Comment: This missense variant replaces methionine with leucine at codon 1184 of the MSH6 protein. Computational prediction suggests that this variant may not impact protein structure and function (internally defined REVEL score threshold <= 0.5, PMID: 27666373). To our knowledge, functional studies have not been reported for this variant. This variant has not been reported in individuals affected with MSH6-related disorders in the literature. This variant has not been identified in the general population by the Genome Aggregation Database (gnomAD). The available evidence is insufficient to determine the role of this variant in disease conclusively. Therefore, this variant is classified as a Variant of Uncertain Significance.